The following is an entry in ClinVar:

NM_000548.5(TSC2):c.3884-10G>A

Gene: TSC2 (TSC complex subunit 2; plus strand). Cytogenetic location: 16p13.3.
Variant type: single nucleotide variant.
Coding change: c.3884-10G>A on transcript NM_000548.5 (MANE Select); 10 bases into the intron before coding-DNA position 3884, G replaced by A.
Molecular consequence: intron variant.
Genome position (GRCh38, 1-based): chr16:2,083,685, G>A. VCF-style: chr16-2083685-G-A. GRCh37 (hg19) VCF-style: chr16-2133686-G-A.
Other names: c.2342-10G>A (NM_001406693.1, NM_001406692.1, NM_001406694.1); c.3776-10G>A (NM_001406667.1); c.3773-10G>A (NM_001406668.1); c.3284-10G>A (NM_001406680.1); c.3215-10G>A (NM_001406683.1, NM_001406682.1); c.3083-10G>A (NM_001406687.1, NM_001406688.1); c.2471-10G>A (NM_001406689.1); c.2411-10G>A (NM_001406690.1); and 26 more.
Identifiers: ClinVar variation 2916980 (VCV002916980.4), dbSNP rs1318587547, ClinGen allele CA620379145.

ClinVar aggregate classification (germline): Likely benign. Review status: criteria provided, multiple submitters, no conflicts (2 of 4 stars). 2 submissions from 2 submitters: Likely benign (2). Last evaluated 2025-06-02.

Conditions:
Tuberous sclerosis 2 (TSC2). Identifiers: Orphanet 805, MedGen C1860707, MONDO:0013199, OMIM 613254.

Allele frequency attached by ClinVar (database versions not stated): gnomAD exomes below 0.00001; TOPMed below 0.00001.
gnomAD v4.1: 5 of 1,574,864 alleles (0.00032%); highest among the groups gnomAD compares: Non-Finnish European, 0.00034%; no homozygotes.

Submissions (2):

Myriad Genetics, Inc.
Classification: Likely benign for Tuberous sclerosis 2. Last evaluated: 2025-06-02. Review status: criteria provided, single submitter. Criteria: Myriad Autosomal Dominant, Autosomal Recessive and X-Linked Classification Criteria (2023). Collection method: clinical testing. Allele origin: unknown.
Comment: This variant is considered likely benign. This variant is intronic and is not expected to impact mRNA splicing.

Labcorp Genetics (formerly Invitae), Labcorp
Classification: Likely benign for Tuberous sclerosis 2. Last evaluated: 2022-11-26. Review status: criteria provided, single submitter. Criteria: Invitae Variant Classification Sherloc (09022015). Collection method: clinical testing. Allele origin: germline.